The following is an entry in ClinVar:

ClinVar aggregate classification (germline): Likely benign (0 of 4 stars; one submission).

Conditions:
GLS-related disorder. Also called: GLS-related condition.

Submission:

PreventionGenetics, part of Exact Sciences
Classification: Likely benign for GLS-related condition. Last evaluated: 2021-04-15. Review status: no assertion criteria provided. Collection method: clinical testing. Allele origin: germline.
Comment: This variant is classified as likely benign based on ACMG/AMP sequence variant interpretation guidelines (Richards et al. 2015 PMID: 25741868, with internal and published modifications).

NM_014905.5(GLS):c.-212GCA[11]

Genes: GLS (glutaminase; plus strand), LOC129935268 (ATAC-STARR-seq lymphoblastoid silent region 12186; plus strand). Cytogenetic location: 2q32.2.
Variant type: Microsatellite.
Coding change: c.-212GCA[11] on transcript NM_014905.5 (MANE Select); 11 copies in a row of the 3-base unit GCA starting at c.-212; the reference has 16 copies in a row; five copies, 15 bases deleted.
Molecular consequence: 5 prime UTR variant.
Genome position (GRCh38, 1-based): chr2:190,880,906-190,880,920, GCAGCAGCAGCAGCA deleted; deleting any 15 consecutive bases within chr2:190,880,873-190,880,920 gives the same sequence; the position shown is the placement nearest the transcript's 3' end. VCF-style (leftmost placement, unchanged base first): chr2-190880872-CGCAGCAGCAGCAGCA-C. GRCh37 (hg19) VCF-style: chr2-191745598-CGCAGCAGCAGCAGCA-C.
Other names: c.-212GCA[11] (NM_001256310.2).
Identifiers: ClinVar variation 3054764 (VCV003054764.2), dbSNP rs57674096, ClinGen allele CA762383382.